The following is an entry in ClinVar:

ClinVar aggregate classification (germline): Pathogenic/Likely pathogenic. Review status: criteria provided, multiple submitters, no conflicts (2 of 4 stars). 6 submissions from 6 submitters: Pathogenic (1); Likely pathogenic (4). 1 of the submissions does not count toward it. Last evaluated 2024-05-01.

Conditions:
Bifunctional peroxisomal enzyme deficiency (DBIF). Also called: DBP DEFICIENCY; D-bifunctional protein deficiency; PBFE DEFICIENCY. Identifiers: Orphanet 300, MedGen C0342870, MONDO:0009855, OMIM 261515. Disease mechanism: loss of function.
Perrault syndrome. Also called: Gonadal dysgenesis with auditory dysfunction, autosomal recessive inheritance. Identifiers: Orphanet 2855, MedGen C0685838, MONDO:0017312.

Submissions (6):

Natera, Inc.
Classification: Likely pathogenic for Bifunctional peroxisomal enzyme deficiency. Last evaluated: 2024-05-01. Review status: criteria provided, single submitter. Criteria: Natera Variant Classification Schema (03/2026). Collection method: clinical testing. Allele origin: germline.
Comment: The c.270delT variant in HSD17B4 is a frameshift variant predicted to shift the reading frame beginning at codon 90 and leads to a stop codon 4 codons downstream. This variant is expected to result in nonsense mediated decay, truncation, or a dysfunctional protein product. This variant is rare in the general population with a frequency below the threshold expected for the associated phenotype(s). Given the available evidence, this variant is classified as Likely Pathogenic.

Baylor Genetics
Classification: Likely pathogenic for Bifunctional peroxisomal enzyme deficiency. Last evaluated: 2023-11-22. Review status: criteria provided, single submitter. Criteria: ACMG Guidelines, 2015. Collection method: clinical testing. Allele origin: unknown.

Labcorp Genetics (formerly Invitae), Labcorp
Classification: Pathogenic for Perrault syndrome; Bifunctional peroxisomal enzyme deficiency. Last evaluated: 2022-07-29. Review status: criteria provided, single submitter. Criteria: Invitae Variant Classification Sherloc (09022015). Collection method: clinical testing. Allele origin: germline.
Comment: This variant has not been reported in the literature in individuals affected with HSD17B4-related conditions. For these reasons, this variant has been classified as Pathogenic. ClinVar contains an entry for this variant (Variation ID: 550351). This variant is not present in population databases (gnomAD no frequency). This sequence change creates a premature translational stop signal (p.Phe90Leufs*4) in the HSD17B4 gene. It is expected to result in an absent or disrupted protein product. Loss-of-function variants in HSD17B4 are known to be pathogenic (PMID: 11810648, 16385454).

Mayo Clinic Laboratories, Mayo Clinic
Classification: Likely pathogenic. Last evaluated: 2022-06-29. Review status: criteria provided, single submitter. Criteria: ACMG Guidelines, 2015. Collection method: clinical testing. Allele origin: germline. Observed: 1 variant allele.
Comment: PM2, PVS1

Department of Pathology and Laboratory Medicine, Sinai Health System
Classification: Likely pathogenic for Perrault syndrome. Last evaluated: 2021-07-30. Review status: criteria provided, single submitter. Criteria: ACMG Guidelines, 2015. Collection method: research. Allele origin: germline.

Counsyl
Classification: Likely pathogenic for Bifunctional peroxisomal enzyme deficiency. Last evaluated: 2017-01-11. Review status: no assertion criteria provided. Collection method: clinical testing. Allele origin: unknown. Not counted in ClinVar's aggregate classification.

Literature cited by the submitters: PubMed 11810648 (cited by Labcorp Genetics (formerly Invitae), Labcorp); PubMed 16385454 (cited by Labcorp Genetics (formerly Invitae), Labcorp).

NM_000414.4(HSD17B4):c.270del (p.Phe90fs)

Gene: HSD17B4 (hydroxysteroid 17-beta dehydrogenase 4; plus strand). Cytogenetic location: 5q23.1.
Variant type: Deletion.
Coding change: c.270del on transcript NM_000414.4 (MANE Select); coding-DNA position 270, one base deleted (T; older notation c.270delT).
Protein change: p.Phe90fs; shifts the reading frame from phenylalanine 90.
Molecular consequence: frameshift variant. On other transcripts: 5 prime UTR variant (1).
Genome position (GRCh38, 1-based): chr5:119,474,450, T deleted; the last of 4 consecutive T bases (chr5:119,474,447-119,474,450); deleting any one gives the same sequence. VCF-style (leftmost placement, unchanged base first): chr5-119474446-CT-C. GRCh37 (hg19) VCF-style: chr5-118810141-CT-C.
Other names: p.Phe115Leufs*4; c.345del, p.Phe115fs (NM_001199291.3); c.216del, p.Phe72fs (NM_001199292.2); c.198del, p.Phe66fs (NM_001292027.2); c.-142del (NM_001292028.2); short protein forms F72fs, F90fs, F115fs, F66fs.
Identifiers: ClinVar variation 550351 (VCV000550351.12), dbSNP rs1276397342, ClinGen allele CA658822605.